The following is an entry in ClinVar:

ClinVar aggregate classification (germline): Conflicting classifications of pathogenicity. Review status: criteria provided, conflicting classifications (1 of 4 stars). 11 submissions from 9 submitters: Uncertain significance (1); Benign (1); Likely benign (9). Last evaluated 2026-09-01.

Conditions:
Autoinflammatory syndrome. Identifiers: Orphanet 93665, MedGen C3890737, MONDO:0019751.
Cryopyrin associated periodic syndrome (CAPS). Identifiers: Orphanet 208650, MedGen C2316212, MONDO:0016168.
Familial cold autoinflammatory syndrome 1 (FCAS1). Also called: Familial cold inflammatory syndrome 1; CRYOPYRIN-ASSOCIATED PERIODIC SYNDROME 1. Identifiers: Orphanet 47045, MedGen C4551895, MONDO:0007349, OMIM 120100.
Familial amyloid nephropathy with urticaria AND deafness (MWS). Also called: UDA SYNDROME; URTICARIA-DEAFNESS-AMYLOIDOSIS SYNDROME; MUCKLE-WELLS SYNDROME; Urticaria, deafness and amyloidosis; CRYOPYRIN-ASSOCIATED PERIODIC SYNDROME 2. Identifiers: Orphanet 575, MedGen C0268390, MONDO:0008633, OMIM 191900.
Chronic infantile neurological, cutaneous and articular syndrome (CINCA). Also called: CHRONIC NEUROLOGIC CUTANEOUS AND ARTICULAR SYNDROME; Prieur Griscelli syndrome; CRYOPYRIN-ASSOCIATED PERIODIC SYNDROME 3; CINCA syndrome. Identifiers: Orphanet 1451, MedGen C0409818, MONDO:0011776, OMIM 607115.

Allele frequency attached by ClinVar (database versions not stated): gnomAD 0.00031 and 0.00044; ExAC 0.00063; TOPMed 0.00074; 1000 Genomes Project 30x 0.00203; 1000 Genomes Project 0.00220.
gnomAD v4.1: 683 of 1,613,968 alleles (0.042%); highest among the groups gnomAD compares: East Asian, 1.1%; 4 homozygotes.

Submissions (11):

CeGaT Center for Human Genetics Tuebingen
Classification: Likely benign. Last evaluated: 2026-09-01. Review status: criteria provided, single submitter. Criteria: CeGaT Center For Human Genetics Tuebingen Variant Classification Criteria Version 2. Collection method: clinical testing. Allele origin: germline. Affected: yes. Observed: 3 variant alleles.
Comment: NLRP3: BP4

Women's Health and Genetics/Laboratory Corporation of America, LabCorp
Classification: Likely benign. Last evaluated: 2026-02-13. Review status: criteria provided, single submitter. Criteria: LabCorp Variant Classification Summary - May 2015. Collection method: clinical testing. Allele origin: germline.

Labcorp Genetics (formerly Invitae), Labcorp
Classification: Benign for Cryopyrin associated periodic syndrome. Last evaluated: 2026-01-18. Review status: criteria provided, single submitter. Criteria: Invitae Variant Classification Sherloc (09022015). Collection method: clinical testing. Allele origin: germline.

Blueprint Genetics
Classification: Likely benign. Last evaluated: 2024-11-26. Review status: criteria provided, single submitter. Criteria: ACMG Guidelines, 2015. Collection method: clinical testing. Allele origin: germline.

Genome Diagnostics Laboratory, The Hospital for Sick Children
Classification: Likely benign for Autoinflammatory syndrome. Last evaluated: 2021-03-17. Review status: criteria provided, single submitter. Criteria: ACMG Guidelines, 2015. Collection method: clinical testing. Allele origin: germline. Affected: yes.

GeneDx
Classification: Likely benign. Last evaluated: 2021-02-02. Review status: criteria provided, single submitter. Criteria: GeneDx Variant Classification Process June 2021. Collection method: clinical testing. Allele origin: germline. Affected: yes.
Comment: This variant is associated with the following publications: (PMID: 28028683, 23633568, 31172726, 28956000, 31664448, 33329557, 32115236)

Laboratory for Molecular Medicine, Mass General Brigham Personalized Medicine
Classification: Likely benign. Last evaluated: 2017-08-23. Review status: criteria provided, single submitter. Criteria: LMM Criteria. Collection method: clinical testing. Allele origin: germline. Observed: 1 variant allele.
Comment: p.Val72Met in exon 1 of NLRP3: This variant is not expected to have clinical significance because it has been identified in 0.81% (70/8600) of East Asian chromosomes by the Exome Aggregation Consortium (ExAC; dbSNP rs117287351).

ARUP Laboratories, Molecular Genetics and Genomics, ARUP Laboratories
Classification: Uncertain significance. Last evaluated: 2017-06-08. Review status: criteria provided, single submitter. Criteria: ARUP Molecular Germline Variant Investigation Process. Collection method: clinical testing. Allele origin: germline.
Comment: The NLRP3 c.214G>A;p.Val72Met variant has been listed in the medical literature in at least two individuals with autoinflammatory disease (Nakayama 2017). The variant is listed in the ClinVar database (Variation ID: 245593) and in the dbSNP variant database (rs117287351) with an allele frequency of up to 0.9 percent (171/18868 alleles) in East Asians in the Genome Aggregation Database. The amino acid at this position is conserved across species and computational algorithms (PolyPhen2, SIFT) predict this variant is deleterious. Considering available information, the clinical significance cannot be determined with certainty. References: Nakayama M et al. Accurate clinical genetic testing for autoinflammatory diseases using the next-generation sequencing platform MiSeq. Biochem Biophys Rep 2017 9:146-152.

Illumina Laboratory Services, Illumina
Classification: Likely benign for Chronic infantile neurological, cutaneous and articular syndrome. Last evaluated: 2017-04-27. Review status: criteria provided, single submitter. Criteria: ICSL Variant Classification Criteria 13 December 2019. Collection method: clinical testing. Allele origin: germline.
Comment: This variant was observed as part of a predisposition screen in an ostensibly healthy population. A literature search was performed for the gene, cDNA change, and amino acid change (where applicable). No publications were found based on this search. Allele frequency data from public databases allowed determination this variant is unlikely to cause disease. Therefore, this variant is classified as likely benign.

Illumina Laboratory Services, Illumina
Classification: Likely benign for Familial amyloid nephropathy with urticaria AND deafness. Last evaluated: 2017-04-27. Review status: criteria provided, single submitter. Criteria: ICSL Variant Classification Criteria 13 December 2019. Collection method: clinical testing. Allele origin: germline.
Comment: the same text as in the submission from Illumina Laboratory Services, Illumina above.

Illumina Laboratory Services, Illumina
Classification: Likely benign for Familial cold autoinflammatory syndrome 1. Last evaluated: 2017-04-27. Review status: criteria provided, single submitter. Criteria: ICSL Variant Classification Criteria 13 December 2019. Collection method: clinical testing. Allele origin: germline.
Comment: the same text as in the submission from Illumina Laboratory Services, Illumina above.

NM_001243133.2(NLRP3):c.208G>A (p.Val70Met)

Gene: NLRP3 (NLR family pyrin domain containing 3; plus strand). Cytogenetic location: 1q44.
Variant type: single nucleotide variant.
Coding change: c.208G>A on transcript NM_001243133.2 (MANE Select); coding-DNA position 208, G replaced by A.
Protein change: p.Val70Met; replaces valine 70 with methionine.
Molecular consequence: missense variant.
Genome position (GRCh38, 1-based): chr1:247,419,008, G>A. VCF-style: chr1-247419008-G-A. GRCh37 (hg19) VCF-style: chr1-247582310-G-A.
Other names: c.208G>A, p.Val70Met (NM_001079821.3, NM_001127461.3, NM_001127462.3 and 1 more transcripts); c.214G>A, p.Val72Met (NM_004895.5); short protein forms V72M, V70M.
Identifiers: ClinVar variation 245593 (VCV000245593.55), dbSNP rs117287351, ClinGen allele CA1494763.